The following is an entry in ClinVar:

ClinVar aggregate classification (germline): Likely pathogenic (1 of 4 stars; one submission).

Submission:

GeneDx
Classification: Likely pathogenic. Last evaluated: 2025-10-16. Review status: criteria provided, single submitter. Criteria: GeneDx Variant Classification Process June 2021. Collection method: clinical testing. Allele origin: germline. Affected: yes.
Comment: Not observed at significant frequency in large population cohorts (gnomAD); In silico analysis supports a deleterious effect on protein structure/function; In-frame deletion of 1 amino acids in a non-repeat region; Has not been previously published as pathogenic or benign to our knowledge

NM_001351169.2(NT5C2):c.503TAG[1] (p.Val169del)

Gene: NT5C2 (5'-nucleotidase, cytosolic II; minus strand). Cytogenetic location: 10q24.33.
Variant type: Microsatellite.
Coding change: c.503TAG[1] on transcript NM_001351169.2 (MANE Select); one copy of the 3-base unit TAG starting at c.503; the reference has two copies in a row; one copy, 3 bases deleted.
Protein change: p.Val169del; deletes valine 169.
Molecular consequence: inframe deletion. On other transcripts: 5 prime UTR variant (22).
Genome position (GRCh38, 1-based): chr10:103,101,076-103,101,078, CTA deleted on the plus strand (TAG on the coding strand, the reverse complement: NT5C2 is on the minus strand); deleting any 3 consecutive bases within chr10:103,101,076-103,101,081 gives the same sequence; the position shown is the placement nearest the transcript's 3' end. VCF-style (leftmost placement, unchanged base first): chr10-103101075-TCTA-T. GRCh37 (hg19) VCF-style: chr10-104860832-TCTA-T.
Other names: c.503TAG[1], p.Val169del (NM_001134373.3, NM_012229.5); c.527TAG[1], p.Val177del (NM_001351170.2, NM_001351171.2, NM_001351172.2 and 1 more transcripts); c.416TAG[1], p.Val140del (NM_001351174.1); c.410TAG[1], p.Val138del (NM_001351175.2); c.-71TAG[1] (NM_001351176.2, NM_001351177.2, NM_001351178.2 and 6 more transcripts); c.-263TAG[1] (NM_001351179.2, NM_001351180.2, NM_001351182.2 and 4 more transcripts); c.-284TAG[1] (NM_001351185.2, NM_001351187.2); c.-156TAG[1] (NM_001351190.2); and 2 more; short protein forms V169del, V138del, V177del, V140del.
Identifiers: ClinVar variation 432907 (VCV000432907.5), dbSNP rs762980266, ClinGen allele CA212333873.
Genomic context (GRCh38, chr10:103,101,075, plus strand): 5'-TGGAAAAAAATAATTATAGTATATACATACCTGGTATATCTGGGACAATTAGTAAAAAAA[TCTA>T]CTAGGCAGGCCAACAGGTAGGTCTCTGAAAAATGAAGAACAGATATTCATAAGCTATAAT-3'